The following is an entry in ClinVar:

NM_002150.3(HPD):c.845G>A (p.Arg282Lys)

Genes: HPD (4-hydroxyphenylpyruvate dioxygenase; minus strand), TIALD (transcript inducer of AURKA lysosomal degradation; plus strand). Cytogenetic location: 12q24.31.
Variant type: single nucleotide variant.
Coding change: c.845G>A on transcript NM_002150.3 (MANE Select); coding-DNA position 845, G replaced by A.
Protein change: p.Arg282Lys; replaces arginine 282 with lysine.
Molecular consequence: missense variant.
Genome position (GRCh38, 1-based): chr12:121,843,819, C>T on the plus strand (G>A on the coding strand, the complement: HPD is on the minus strand). VCF-style: chr12-121843819-C-T. GRCh37 (hg19) VCF-style: chr12-122281725-C-T.
Other names: c.728G>A, p.Arg243Lys (NM_001171993.2); short protein forms R243K, R282K.
Identifiers: ClinVar variation 4822407 (VCV004822407.4).

ClinVar aggregate classification (germline): Uncertain significance (1 of 4 stars; one submission).

gnomAD v4.1: 7 of 1,614,112 alleles (0.00043%); highest among the groups gnomAD compares: Middle Eastern, 0.016%; no homozygotes.

Submission:

CeGaT Center for Human Genetics Tuebingen
Classification: Uncertain significance. Last evaluated: 2026-02-01. Review status: criteria provided, single submitter. Criteria: CeGaT Center For Human Genetics Tuebingen Variant Classification Criteria Version 2. Collection method: clinical testing. Allele origin: germline. Affected: yes. Observed: 1 variant allele.
Comment: HPD: PM2, BP4